The following is an entry in ClinVar:

NM_001376.5(DYNC1H1):c.731A>G (p.Gln244Arg)

Gene: DYNC1H1 (dynein cytoplasmic 1 heavy chain 1; plus strand). Cytogenetic location: 14q32.31.
Variant type: single nucleotide variant.
Coding change: c.731A>G on transcript NM_001376.5 (MANE Select); coding-DNA position 731, A replaced by G.
Protein change: p.Gln244Arg; replaces glutamine 244 with arginine.
Molecular consequence: missense variant.
Genome position (GRCh38, 1-based): chr14:101,979,931, A>G. VCF-style: chr14-101979931-A-G. GRCh37 (hg19) VCF-style: chr14-102446268-A-G.
Other names: short protein forms Q244R.
Identifiers: ClinVar variation 2096657 (VCV002096657.4), dbSNP rs2503679543, ClinGen allele CA391008956.

ClinVar aggregate classification (germline): Uncertain significance (1 of 4 stars; one submission).

Conditions:
Charcot-Marie-Tooth disease axonal type 2O. Also called: CHARCOT-MARIE-TOOTH NEUROPATHY, AXONAL, TYPE 2O; CHARCOT-MARIE-TOOTH DISEASE, AXONAL, AUTOSOMAL DOMINANT, TYPE 2O; Charcot-Marie-Tooth Neuropathy Type 2O; Charcot-Marie-Tooth disease, axonal, type 20. Identifiers: Orphanet 284232, MedGen C3280220, MONDO:0013644, OMIM 614228.

Submission:

Labcorp Genetics (formerly Invitae), Labcorp
Classification: Uncertain significance for Charcot-Marie-Tooth disease axonal type 2O. Last evaluated: 2023-05-22. Review status: criteria provided, single submitter. Criteria: Invitae Variant Classification Sherloc (09022015). Collection method: clinical testing. Allele origin: germline.
Comment: In summary, the available evidence is currently insufficient to determine the role of this variant in disease. Therefore, it has been classified as a Variant of Uncertain Significance. Advanced modeling of protein sequence and biophysical properties (such as structural, functional, and spatial information, amino acid conservation, physicochemical variation, residue mobility, and thermodynamic stability) performed at Invitae indicates that this missense variant is not expected to disrupt DYNC1H1 protein function. ClinVar contains an entry for this variant (Variation ID: 2096657). This variant has not been reported in the literature in individuals affected with DYNC1H1-related conditions. This variant is not present in population databases (gnomAD no frequency). This sequence change replaces glutamine, which is neutral and polar, with arginine, which is basic and polar, at codon 244 of the DYNC1H1 protein (p.Gln244Arg).